The following is an entry in ClinVar:

ClinVar aggregate classification (germline): Uncertain significance (1 of 4 stars; one submission).

Submission:

Labcorp Genetics (formerly Invitae), Labcorp
Classification: Uncertain significance. Last evaluated: 2025-03-07. Review status: criteria provided, single submitter. Criteria: Invitae Variant Classification Sherloc (09022015). Collection method: clinical testing. Allele origin: germline.
Comment: This sequence change replaces aspartic acid, which is acidic and polar, with glutamic acid, which is acidic and polar, at codon 708 of the LEMD3 protein (p.Asp708Glu). This variant is not present in population databases (gnomAD no frequency). This variant has not been reported in the literature in individuals affected with LEMD3-related conditions. An algorithm developed to predict the effect of missense changes on protein structure and function outputs the following: PolyPhen-2: "Benign". The glutamic acid amino acid residue is found in multiple mammalian species, which suggests that this missense change does not adversely affect protein function. In summary, the available evidence is currently insufficient to determine the role of this variant in disease. Therefore, it has been classified as a Variant of Uncertain Significance.

NM_014319.5(LEMD3):c.2124C>G (p.Asp708Glu)

Gene: LEMD3 (LEM domain containing 3; plus strand). Cytogenetic location: 12q14.3.
Variant type: single nucleotide variant.
Coding change: c.2124C>G on transcript NM_014319.5 (MANE Select); coding-DNA position 2124, C replaced by G.
Protein change: p.Asp708Glu; replaces aspartic acid 708 with glutamic acid.
Molecular consequence: missense variant.
Genome position (GRCh38, 1-based): chr12:65,240,236, C>G. VCF-style: chr12-65240236-C-G. GRCh37 (hg19) VCF-style: chr12-65634016-C-G.
Other names: c.2121C>G, p.Asp707Glu (NM_001167614.2); short protein forms D708E, D707E.
Identifiers: ClinVar variation 4714639 (VCV004714639.1).